The following is an entry in ClinVar:

ClinVar aggregate classification (germline): Uncertain significance (1 of 4 stars; one submission).

Submission:

GeneDx
Classification: Uncertain significance. Last evaluated: 2026-04-09. Review status: criteria provided, single submitter. Criteria: GeneDx Variant Classification Process June 2021. Collection method: clinical testing. Allele origin: germline.
Comment: Not observed at significant frequency in large population cohorts (gnomAD); In silico analysis supports that this missense variant has a deleterious effect on protein structure/function; Has not been previously published as pathogenic or benign to our knowledge

NM_002539.3(ODC1):c.29A>G (p.Asp10Gly)

Gene: ODC1 (ornithine decarboxylase 1; minus strand). Cytogenetic location: 2p25.1.
Variant type: single nucleotide variant.
Coding change: c.29A>G on transcript NM_002539.3 (MANE Select); coding-DNA position 29, A replaced by G.
Protein change: p.Asp10Gly; replaces aspartic acid 10 with glycine.
Molecular consequence: missense variant. On other transcripts: 5 prime UTR variant (1).
Genome position (GRCh38, 1-based): chr2:10,445,004, T>C on the plus strand (A>G on the coding strand, the complement: ODC1 is on the minus strand). VCF-style: chr2-10445004-T-C. GRCh37 (hg19) VCF-style: chr2-10585130-T-C.
Other names: c.-259A>G (NM_001287188.2); c.29A>G, p.Asp10Gly (NM_001287189.2, NM_001287190.2); short protein forms D10G.
Identifiers: ClinVar variation 5018297 (VCV005018297.1).